The following is an entry in ClinVar:

NM_014795.4(ZEB2):c.1880T>G (p.Val627Gly)

Gene: ZEB2 (zinc finger E-box binding homeobox 2; minus strand). Cytogenetic location: 2q22.3.
Variant type: single nucleotide variant.
Coding change: c.1880T>G on transcript NM_014795.4 (MANE Select); coding-DNA position 1880, T replaced by G.
Protein change: p.Val627Gly; replaces valine 627 with glycine.
Molecular consequence: missense variant.
Genome position (GRCh38, 1-based): chr2:144,399,307, A>C on the plus strand (T>G on the coding strand, the complement: ZEB2 is on the minus strand). VCF-style: chr2-144399307-A-C. GRCh37 (hg19) VCF-style: chr2-145156874-A-C.
Other names: p.V627G:GTT>GGT; c.1808T>G, p.Val603Gly (NM_001171653.2); short protein forms V627G, V603G.
Identifiers: ClinVar variation 181713 (VCV000181713.1), dbSNP rs730881176, ClinGen allele CA297562.

ClinVar aggregate classification (germline): Likely benign (1 of 4 stars; one submission).

Allele frequency attached by ClinVar (database versions not stated): gnomAD exomes below 0.00001.
gnomAD v4.1: 3 of 1,613,566 alleles (0.00019%); highest among the groups gnomAD compares: Non-Finnish European, 0.00025%; no homozygotes.

Submission:

GeneDx
Classification: Likely benign. Last evaluated: 2013-12-17. Review status: criteria provided, single submitter. Criteria: GeneDx Variant Classification (06012015). Collection method: clinical testing. Allele origin: germline. Affected: yes.
Comment: This variant is considered likely benign or benign based on one or more of the following criteria: it is a conservative change, it occurs at a poorly conserved position in the protein, it is predicted to be benign by multiple in silico algorithms, and/or has population frequency not consistent with disease.